The following is an entry in ClinVar:

NM_000202.8(IDS):c.58G>C (p.Val20Leu)

Genes: IDS (iduronate 2-sulfatase; minus strand), LOC130068781 (ATAC-STARR-seq lymphoblastoid active region 30015; plus strand). Cytogenetic location: Xq28.
Variant type: single nucleotide variant.
Coding change: c.58G>C on transcript NM_000202.8 (MANE Select); coding-DNA position 58, G replaced by C.
Protein change: p.Val20Leu; replaces valine 20 with leucine.
Molecular consequence: missense variant. On other transcripts: 5 prime UTR variant (1), non-coding transcript variant (1).
Genome position (GRCh38, 1-based): chrX:149,505,080, C>G on the plus strand (G>C on the coding strand, the complement: IDS is on the minus strand). VCF-style: chrX-149505080-C-G. GRCh37 (hg19) VCF-style: chrX-148586610-C-G.
Other names: c.-169G>C (NM_001166550.4); c.58G>C, p.Val20Leu (NM_006123.5); short protein forms V20L.
Identifiers: ClinVar variation 2082270 (VCV002082270.4), dbSNP rs11549010, ClinGen allele CA10537755.

ClinVar aggregate classification (germline): Conflicting classifications of pathogenicity. Review status: criteria provided, conflicting classifications (1 of 4 stars). 2 submissions from 2 submitters: Uncertain significance (1); Likely benign (1). Last evaluated 2024-12-06.

Conditions:
Inborn genetic diseases. Identifiers: MedGen C0950123, MeSH D030342.
Mucopolysaccharidosis, MPS-II (MPS2). Also called: IDS deficiency; Sulfoiduronate sulfatase deficiency; SIDS deficiency; Mucopolysaccharidosis with skin involvement; Mucopolysaccharidosis type 2; Attenuated MPS (subtype; formerly known as mild MPS II). Identifiers: Orphanet 580, Orphanet 79388, MedGen C0026705, MONDO:0010674, OMIM 309900.

Allele frequency attached by ClinVar (database versions not stated): gnomAD 0.00004; ExAC 0.00005; TOPMed 0.00005; ESP Exome Variant Server 0.00019.
gnomAD v4.1: 14 of 1,207,430 alleles (0.0012%); highest among the groups gnomAD compares: African/African-American, 0.021%; no homozygotes.

Submissions (2):

Labcorp Genetics (formerly Invitae), Labcorp
Classification: Uncertain significance for Mucopolysaccharidosis, MPS-II. Last evaluated: 2024-12-06. Review status: criteria provided, single submitter. Criteria: Invitae Variant Classification Sherloc (09022015). Collection method: clinical testing. Allele origin: germline.
Comment: This sequence change replaces valine, which is neutral and non-polar, with leucine, which is neutral and non-polar, at codon 20 of the IDS protein (p.Val20Leu). This variant is present in population databases (rs11549010, gnomAD 0.008%). This variant has not been reported in the literature in individuals affected with IDS-related conditions. ClinVar contains an entry for this variant (Variation ID: 2082270). Invitae Evidence Modeling of protein sequence and biophysical properties (such as structural, functional, and spatial information, amino acid conservation, physicochemical variation, residue mobility, and thermodynamic stability) indicates that this missense variant is not expected to disrupt IDS protein function with a negative predictive value of 80%. In summary, the available evidence is currently insufficient to determine the role of this variant in disease. Therefore, it has been classified as a Variant of Uncertain Significance.

Ambry Genetics
Classification: Likely benign for Inborn genetic diseases. Last evaluated: 2022-04-14. Review status: criteria provided, single submitter. Criteria: Ambry Variant Classification Scheme 2023. Collection method: clinical testing. Allele origin: germline.